The following is an entry in ClinVar:

ClinVar aggregate classification (germline): Uncertain significance (1 of 4 stars; one submission).

Conditions:
DOCK2 deficiency. Also called: Immunodeficiency 40. Identifiers: Orphanet 447737, MedGen C4225328, MONDO:0014637, OMIM 616433.

Submission:

Labcorp Genetics (formerly Invitae), Labcorp
Classification: Uncertain significance for DOCK2 deficiency. Last evaluated: 2025-12-03. Review status: criteria provided, single submitter. Criteria: Invitae Variant Classification Sherloc (09022015). Collection method: clinical testing. Allele origin: germline.
Comment: This sequence change replaces threonine, which is neutral and polar, with alanine, which is neutral and non-polar, at codon 405 of the DOCK2 protein (p.Thr405Ala). This variant is not present in population databases (gnomAD no frequency). This variant has not been reported in the literature in individuals affected with DOCK2-related conditions. An algorithm developed to predict the effect of missense changes on protein structure and function (PolyPhen-2) suggests that this variant is likely to be tolerated. In summary, the available evidence is currently insufficient to determine the role of this variant in disease. Therefore, it has been classified as a Variant of Uncertain Significance.

NM_004946.3(DOCK2):c.1213A>G (p.Thr405Ala)

Gene: DOCK2 (dedicator of cytokinesis 2; plus strand). Cytogenetic location: 5q35.1.
Variant type: single nucleotide variant.
Coding change: c.1213A>G on transcript NM_004946.3 (MANE Select); coding-DNA position 1213, A replaced by G.
Protein change: p.Thr405Ala; replaces threonine 405 with alanine.
Molecular consequence: missense variant. On other transcripts: non-coding transcript variant (1).
Genome position (GRCh38, 1-based): chr5:169,700,094, A>G. VCF-style: chr5-169700094-A-G. GRCh37 (hg19) VCF-style: chr5-169127098-A-G.
Other names: short protein forms T405A.
Identifiers: ClinVar variation 4732161 (VCV004732161.1).
Genomic context (GRCh38, chr5:169,700,094, plus strand): 5'-ATGCTGGTGGGTGACATCATTCAGATTCGCAAGGACTATCCACACCTGGTGGACAGGACC[A>G]CCGTGGTGGCCAGGAAGCTGGGATTCCCAGAGATCATCATGCCAGGTGAGACACAGCTGC-3'
Protein context (NP_004937.1, residues 395-415): KDYPHLVDRT[Thr405Ala]VVARKLGFPE